The following is an entry in ClinVar:

ClinVar aggregate classification (germline): Likely benign. Review status: criteria provided, multiple submitters, no conflicts (2 of 4 stars). 3 submissions from 3 submitters: Likely benign (3). Last evaluated 2025-11-18.

Conditions:
IFT88-related disorder. Also called: IFT88-related condition.

Allele frequency attached by ClinVar (database versions not stated): TOPMed 0.00014; 1000 Genomes Project 30x 0.00016; gnomAD 0.00017; 1000 Genomes Project 0.00020; ExAC 0.00021; gnomAD exomes 0.00021 and 0.00037; ESP Exome Variant Server 0.00046.
gnomAD v4.1: 566 of 1,612,812 alleles (0.035%); highest among the groups gnomAD compares: Non-Finnish European, 0.046%; no homozygotes.

Submissions (3):

Labcorp Genetics (formerly Invitae), Labcorp
Classification: Likely benign. Last evaluated: 2025-11-18. Review status: criteria provided, single submitter. Criteria: Invitae Variant Classification Sherloc (09022015). Collection method: clinical testing. Allele origin: germline.

PreventionGenetics, part of Exact Sciences
Classification: Likely benign for IFT88-related condition. Last evaluated: 2025-06-24. Review status: criteria provided, single submitter. Criteria: ACMG Guidelines, 2015. Collection method: clinical testing. Allele origin: germline.
Comment: This variant is classified as likely benign based on ACMG/AMP sequence variant interpretation guidelines (Richards et al. 2015 PMID: 25741868, with internal and published modifications).

Blueprint Genetics
Classification: Likely benign. Last evaluated: 2023-06-06. Review status: criteria provided, single submitter. Criteria: ACMG Guidelines, 2015. Collection method: clinical testing. Allele origin: germline.

NM_006531.5(IFT88):c.1740T>C (p.Ser580=)

Gene: IFT88 (intraflagellar transport 88; plus strand). Cytogenetic location: 13q12.11.
Variant type: single nucleotide variant.
Coding change: c.1740T>C on transcript NM_006531.5 (MANE Select); coding-DNA position 1740, T replaced by C.
Protein change: p.Ser580=; no amino-acid change (serine 580 retained).
Molecular consequence: synonymous variant. On other transcripts: non-coding transcript variant (4).
Genome position (GRCh38, 1-based): chr13:20,643,512, T>C. VCF-style: chr13-20643512-T-C. GRCh37 (hg19) VCF-style: chr13-21217651-T-C.
Other names: c.1683T>C, p.Ser561= (NM_001318491.2, NM_001353575.2); c.1767T>C, p.Ser589= (NM_001318493.2, NM_001353565.2, NM_001353566.2 and 2 more transcripts); c.1740T>C, p.Ser580= (NM_001353568.2, NM_001353572.2); c.1665T>C, p.Ser555= (NM_001353569.2, NM_001353570.2, NM_001353576.2 and 1 more transcripts); c.1638T>C, p.Ser546= (NM_001353571.2, NM_001353578.2); c.1596T>C, p.Ser532= (NM_001353573.2); c.1581T>C, p.Ser527= (NM_001353574.2); c.1107T>C, p.Ser369= (NM_001353579.2); and 1 more.
Identifiers: ClinVar variation 1661338 (VCV001661338.10), dbSNP rs375328771, ClinGen allele CA6905525.